The following is an entry in ClinVar:

NM_032578.4(MYPN):c.39T>C (p.Ser13=)

Gene: MYPN (myopalladin; plus strand). Cytogenetic location: 10q21.3.
Variant type: single nucleotide variant.
Coding change: c.39T>C on transcript NM_032578.4 (MANE Select); coding-DNA position 39, T replaced by C.
Protein change: p.Ser13=; no amino-acid change (serine 13 retained).
Molecular consequence: synonymous variant. On other transcripts: 5 prime UTR variant (1), non-coding transcript variant (1).
Genome position (GRCh38, 1-based): chr10:68,121,477, T>C. VCF-style: chr10-68121477-T-C. GRCh37 (hg19) VCF-style: chr10-69881234-T-C.
Other names: c.39T>C, p.Ser13= (NM_001256267.2); c.-1084T>C (NM_001256268.2).
Identifiers: ClinVar variation 515086 (VCV000515086.1), dbSNP rs1554839150, ClinGen allele CA470003407.
Genomic context (GRCh38, chr10:68,121,477, plus strand): 5'-GTTATTATTATTTTGTGACAGCATGCAAGACGACAGCATAGAAGCTTCTACTTCCATATC[T>C]CAGCTTCTAAGAGAGAGCTATTTAGCTGAAACCAGACATCGGGGAAACAATGAGAGGAGT-3'
Protein context (NP_115967.2, residues 3-23): DDSIEASTSI[Ser13=]QLLRESYLAE

ClinVar aggregate classification (germline): Likely benign (1 of 4 stars; one submission).

Submission:

GeneDx
Classification: Likely benign. Last evaluated: 2018-01-25. Review status: criteria provided, single submitter. Criteria: GeneDx Variant Classification (06012015). Collection method: clinical testing. Allele origin: germline. Affected: yes.
Comment: This variant is considered likely benign or benign based on one or more of the following criteria: it is a conservative change, it occurs at a poorly conserved position in the protein, it is predicted to be benign by multiple in silico algorithms, and/or has population frequency not consistent with disease.